The following is an entry in ClinVar:

NM_139027.6(ADAMTS13):c.1886G>A (p.Arg629Lys)

Gene: ADAMTS13 (ADAM metallopeptidase with thrombospondin type 1 motif 13; plus strand). Cytogenetic location: 9q34.2.
Variant type: single nucleotide variant.
Coding change: c.1886G>A on transcript NM_139027.6 (MANE Select); coding-DNA position 1886, G replaced by A.
Protein change: p.Arg629Lys; replaces arginine 629 with lysine.
Molecular consequence: missense variant. On other transcripts: non-coding transcript variant (1).
Genome position (GRCh38, 1-based): chr9:133,440,443, G>A. VCF-style: chr9-133440443-G-A. GRCh37 (hg19) VCF-style: chr9-136305564-G-A.
Other names: c.1886G>A, p.Arg629Lys (NM_139025.5); c.1793G>A, p.Arg598Lys (NM_139026.6); short protein forms R598K, R629K.
Identifiers: ClinVar variation 2012826 (VCV002012826.4), dbSNP rs2491246224, ClinGen allele CA375394962.
Genomic context (GRCh38, chr9:133,440,443, plus strand): 5'-TGAGCATCTCCCCTAACACCACCTACCCCTCCCTCCTGGAGGATGGTCGTGTCGAGTACA[G>A]AGTGGCCCTCACCGAGGACCGGCTGCCCCGCCTGGAGGAGATCCGCATCTGGGGACCCCT-3'
Protein context (NP_620596.2, residues 619-639): SLLEDGRVEY[Arg629Lys]VALTEDRLPR

ClinVar aggregate classification (germline): Uncertain significance (1 of 4 stars; one submission).

Submission:

Labcorp Genetics (formerly Invitae), Labcorp
Classification: Uncertain significance. Last evaluated: 2022-07-01. Review status: criteria provided, single submitter. Criteria: Invitae Variant Classification Sherloc (09022015). Collection method: clinical testing. Allele origin: germline.
Comment: This sequence change replaces arginine, which is basic and polar, with lysine, which is basic and polar, at codon 629 of the ADAMTS13 protein (p.Arg629Lys). This variant is not present in population databases (gnomAD no frequency). This variant has not been reported in the literature in individuals affected with ADAMTS13-related conditions. Algorithms developed to predict the effect of missense changes on protein structure and function output the following: SIFT: "Tolerated"; PolyPhen-2: "Benign"; Align-GVGD: "Class C0". The lysine amino acid residue is found in multiple mammalian species, which suggests that this missense change does not adversely affect protein function. In summary, the available evidence is currently insufficient to determine the role of this variant in disease. Therefore, it has been classified as a Variant of Uncertain Significance.